The following is an entry in ClinVar:

ClinVar aggregate classification (germline): Likely pathogenic (1 of 4 stars; one submission).

Conditions:
Neuromuscular disease caused by qualitative or quantitative defects of dysferlin. Also called: Dysferlinopathy; Qualitative or quantitative defects of dysferlin. Identifiers: Orphanet 207073, MedGen C2931687, MONDO:0016145.

gnomAD v4.1: 2 of 1,614,226 alleles (0.00012%); highest among the groups gnomAD compares: South Asian, 0.0022%; no homozygotes.

Submission:

Labcorp Genetics (formerly Invitae), Labcorp
Classification: Likely pathogenic for Neuromuscular disease caused by qualitative or quantitative defects of dysferlin. Last evaluated: 2021-02-03. Review status: criteria provided, single submitter. Criteria: Invitae Variant Classification Sherloc (09022015). Collection method: clinical testing. Allele origin: germline.
Comment: This variant has not been reported in the literature in individuals with DYSF-related conditions. Algorithms developed to predict the effect of sequence changes on RNA splicing suggest that this variant may disrupt the consensus splice site, but this prediction has not been confirmed by published transcriptional studies. In summary, the currently available evidence indicates that the variant is pathogenic, but additional data are needed to prove that conclusively. Therefore, this variant has been classified as Likely Pathogenic. This sequence change affects an acceptor splice site in intron 34 of the DYSF gene. It is expected to disrupt RNA splicing. Variants that disrupt the donor or acceptor splice site typically lead to a loss of protein function (PMID: 16199547), and loss-of-function variants in DYSF are known to be pathogenic (PMID: 17698709, 20301480). This variant is not present in population databases (ExAC no frequency).

Literature cited by the submitters: PubMed 16199547; PubMed 17698709; PubMed 20301480.

NM_001130987.2(DYSF):c.3898-1G>C

Gene: DYSF (dysferlin; plus strand). Cytogenetic location: 2p13.2.
Variant type: single nucleotide variant.
Coding change: c.3898-1G>C on transcript NM_001130987.2 (MANE Select); the canonical splice acceptor site of the intron before coding-DNA position 3898, G replaced by C.
Molecular consequence: splice acceptor variant.
Genome position (GRCh38, 1-based): chr2:71,601,498, G>C. VCF-style: chr2-71601498-G-C. GRCh37 (hg19) VCF-style: chr2-71828628-G-C.
Other names: c.3937-1G>C (NM_001130979.2); c.3895-1G>C (NM_001130981.2, NM_001130980.2); c.3844-1G>C (NM_001130978.2, NM_003494.4); c.3802-1G>C (NM_001130977.2, NM_001130976.2); c.3940-1G>C (NM_001130982.2); c.3898-1G>C (NM_001130985.2); c.3847-1G>C (NM_001130983.2, NM_001130455.2); c.3805-1G>C (NM_001130984.2, NM_001130986.2).
Identifiers: ClinVar variation 1483401 (VCV001483401.8), dbSNP rs2152859973, ClinGen allele CA347225842.